The following is an entry in ClinVar:

NM_001430.5(EPAS1):c.1210G>C (p.Ala404Pro)

Gene: EPAS1 (endothelial PAS domain protein 1; plus strand). Cytogenetic location: 2p21.
Variant type: single nucleotide variant.
Coding change: c.1210G>C on transcript NM_001430.5 (MANE Select); coding-DNA position 1210, G replaced by C.
Protein change: p.Ala404Pro; replaces alanine 404 with proline.
Molecular consequence: missense variant.
Genome position (GRCh38, 1-based): chr2:46,376,714, G>C. VCF-style: chr2-46376714-G-C. GRCh37 (hg19) VCF-style: chr2-46603853-G-C.
Other names: short protein forms A404P.
Identifiers: ClinVar variation 1750360 (VCV001750360.2), dbSNP rs777483791, ClinGen allele CA1644909.
Genomic context (GRCh38, chr2:46,376,714, plus strand): 5'-GAGAAGAGTAACTTCCTATTCACCAAGCTAAAGGAGGAGCCCGAGGAGCTGGCCCAGCTG[G>C]CTCCCACCCCAGGAGACGCCATCATCTCTCTGGATTTCGGTGGGTGCTTCTTAGCTAAGC-3'
Protein context (NP_001421.2, residues 394-414): KEEPEELAQL[Ala404Pro]PTPGDAIISL

ClinVar aggregate classification (germline): Uncertain significance (1 of 4 stars; one submission).

Conditions:
Inborn genetic diseases. Identifiers: MedGen C0950123, MeSH D030342.

Allele frequency attached by ClinVar (database versions not stated): ExAC 0.00001; gnomAD exomes 0.00002.
gnomAD v4.1: 31 of 1,613,134 alleles (0.0019%); highest among the groups gnomAD compares: Non-Finnish European, 0.0024%; no homozygotes.

Submission:

Ambry Genetics
Classification: Uncertain significance for Inborn genetic diseases. Last evaluated: 2023-12-10. Review status: criteria provided, single submitter. Criteria: Ambry Variant Classification Scheme 2023. Collection method: clinical testing. Allele origin: germline.
Comment: The p.A404P variant (also known as c.1210G>C), located in coding exon 9 of the EPAS1 gene, results from a G to C substitution at nucleotide position 1210. The alanine at codon 404 is replaced by proline, an amino acid with highly similar properties. This amino acid position is conserved. In addition, this alteration is predicted to be deleterious by in silico analysis. Since supporting evidence is limited at this time, the clinical significance of this alteration remains unclear.